The following is an entry in ClinVar:

NM_000498.3(CYP11B2):c.449C>A (p.Ser150Ter)

Genes: CYP11B2 (cytochrome P450 family 11 subfamily B member 2; minus strand), LOC106799834 (CYP11B2 recombination region; plus strand). Cytogenetic location: 8q24.3.
Variant type: single nucleotide variant.
Coding change: c.449C>A on transcript NM_000498.3 (MANE Select); coding-DNA position 449, C replaced by A.
Protein change: p.Ser150Ter; replaces serine 150 with a stop codon.
Molecular consequence: nonsense.
Genome position (GRCh38, 1-based): chr8:142,915,192, G>T on the plus strand (C>A on the coding strand, the complement: CYP11B2 is on the minus strand). VCF-style: chr8-142915192-G-T. GRCh37 (hg19) VCF-style: chr8-143996608-G-T.
Other names: short protein forms S150*.
Identifiers: ClinVar variation 860178 (VCV000860178.7), dbSNP rs768685630, ClinGen allele CA372390941.
Genomic context (GRCh38, chr8:142,915,192, plus strand): 5'-TGGGAGAAGTCCCTGGCCACTGCATCCACCATCGGGAGGAACCTCTGCACGGCCTTGGGC[G>T]ACAGCACATCTGGGTTCAGCCGCAATCGGTTGAAGCGCCATTCAGGCCCATTCCTACAGA-3'

ClinVar aggregate classification (germline): Pathogenic (1 of 4 stars; one submission).

Submission:

Labcorp Genetics (formerly Invitae), Labcorp
Classification: Pathogenic. Last evaluated: 2019-11-20. Review status: criteria provided, single submitter. Criteria: Invitae Variant Classification Sherloc (09022015). Collection method: clinical testing. Allele origin: germline.
Comment: This sequence change creates a premature translational stop signal (p.Ser150*) in the CYP11B2 gene. It is expected to result in an absent or disrupted protein product. This variant is not present in population databases (ExAC no frequency). This variant has not been reported in the literature in individuals with CYP11B2-related conditions. For these reasons, this variant has been classified as Pathogenic. Loss-of-function variants in CYP11B2 are known to be pathogenic (PMID: 20494601, 22801770, 26936515).

Literature cited by the submitters: PubMed 20494601; PubMed 22801770; PubMed 26936515.